The following is an entry in ClinVar:

ClinVar aggregate classification (germline): Uncertain significance. Review status: criteria provided, single submitter (1 of 4 stars). 2 submissions from 2 submitters: Uncertain significance (1). 1 of the submissions does not count toward it. Last evaluated 2022-03-01.

Conditions:
Leber congenital amaurosis 8 (LCA8). Identifiers: Orphanet 65, MedGen C3151202, MONDO:0013453, OMIM 613835.
Retinitis pigmentosa 12 (RP12). Also called: RP WITH OR WITHOUT PPRPE; RP WITH OR WITHOUT PRESERVED PARAARTERIOLE RETINAL PIGMENT EPITHELIUM; RETINITIS PIGMENTOSA WITH OR WITHOUT PARAARTERIOLAR PRESERVATION OF RETINAL PIGMENT EPITHELIUM. Identifiers: Orphanet 791, MedGen C1838647, MONDO:0010818, OMIM 600105.
Leber congenital amaurosis (LCA). Also called: Leber's amaurosis. Identifiers: Orphanet 65, MedGen C0339527, MeSH D057130, MONDO:0018998.

Submissions (3):

Labcorp Genetics (formerly Invitae), Labcorp
Classification: Uncertain significance for Leber congenital amaurosis 8; Retinitis pigmentosa 12. Last evaluated: 2022-03-01. Review status: criteria provided, single submitter. Criteria: Invitae Variant Classification Sherloc (09022015). Collection method: clinical testing. Allele origin: germline.
Comment: In summary, the available evidence is currently insufficient to determine the role of this variant in disease. Therefore, it has been classified as a Variant of Uncertain Significance. Algorithms developed to predict the effect of missense changes on protein structure and function (SIFT, PolyPhen-2, Align-GVGD) all suggest that this variant is likely to be tolerated. This variant has not been reported in the literature in individuals affected with CRB1-related conditions. This variant is not present in population databases (gnomAD no frequency). This sequence change replaces glutamine, which is neutral and polar, with leucine, which is neutral and non-polar, at codon 515 of the CRB1 protein (p.Gln515Leu).

Natera, Inc.
Classification: Uncertain significance for Leber congenital amaurosis. Last evaluated: 2025-03-06. Review status: no assertion criteria provided. Collection method: clinical testing. Allele origin: germline. Not counted in ClinVar's aggregate classification.

Dr. Peter K. Rogan Lab, Western University
No classification provided (evidence only). Condition: Lung cancer. Review status: no classification provided. Collection method: in vitro. Allele origin: not applicable. Functional consequence: retained intron. Not counted in ClinVar's aggregate classification.

NM_201253.3(CRB1):c.1544A>T (p.Gln515Leu)

Gene: CRB1 (crumbs cell polarity complex component 1; plus strand). Cytogenetic location: 1q31.3.
Variant type: single nucleotide variant.
Coding change: c.1544A>T on transcript NM_201253.3 (MANE Select); coding-DNA position 1544, A replaced by T.
Protein change: p.Gln515Leu; replaces glutamine 515 with leucine.
Molecular consequence: missense variant. On other transcripts: non-coding transcript variant (2).
Genome position (GRCh38, 1-based): chr1:197,421,372, A>T. VCF-style: chr1-197421372-A-T. GRCh37 (hg19) VCF-style: chr1-197390502-A-T.
Other names: c.1208A>T, p.Gln403Leu (NM_001193640.2); c.1337A>T, p.Gln446Leu (NM_001257965.2); c.1544A>T, p.Gln515Leu (NM_001257966.2); c.1544A>T (NM_201253.2); short protein forms Q403L, Q515L, Q446L.
Identifiers: ClinVar variation 1524105 (VCV001524105.10), dbSNP rs2125469961, ClinGen allele CA344031401.
Genomic context (GRCh38, chr1:197,421,372, plus strand): 5'-GGGTCAAAAGTGGCTCAGTGACAACCAAGGGCTCAGTTTGTAACATAGCCCTCAGGTTTC[A>T]GACTGTTCAGCCAATGGCTCTTCTACTTTTCCGAAGCAACAGGGATGTGTTTGTGAAGCT-3'
Protein context (NP_957705.1, residues 505-525): GSVCNIALRF[Gln515Leu]TVQPMALLLF